The following is an entry in ClinVar:

ClinVar aggregate classification (germline): Uncertain significance. Review status: criteria provided, multiple submitters, no conflicts (2 of 4 stars). 2 submissions from 2 submitters: Uncertain significance (2). Last evaluated 2025-11-04.

Conditions:
Norman-Roberts syndrome (LIS2). Also called: Lissencephaly 2 (Norman-Roberts type). Identifiers: Orphanet 89844, MedGen C0796089, MONDO:0009760, OMIM 257320.
Familial temporal lobe epilepsy 7. Identifiers: Orphanet 101046, MedGen C4225327, MONDO:0014639, OMIM 616436.

Allele frequency attached by ClinVar (database versions not stated): gnomAD exomes below 0.00001 and 0.00001.
gnomAD v4.1: 13 of 1,610,760 alleles (0.00081%); highest among the groups gnomAD compares: Non-Finnish European, 0.0011%; 1 homozygote.

Submissions (2):

Labcorp Genetics (formerly Invitae), Labcorp
Classification: Uncertain significance for Familial temporal lobe epilepsy 7; Norman-Roberts syndrome. Last evaluated: 2025-11-04. Review status: criteria provided, single submitter. Criteria: Invitae Variant Classification Sherloc (09022015). Collection method: clinical testing. Allele origin: germline.
Comment: This sequence change replaces alanine, which is neutral and non-polar, with proline, which is neutral and non-polar, at codon 292 of the RELN protein (p.Ala292Pro). This variant is present in population databases (no rsID available, gnomAD 0.0009%). This variant has not been reported in the literature in individuals affected with RELN-related conditions. ClinVar contains an entry for this variant (Variation ID: 1015987). Invitae Evidence Modeling of protein sequence and biophysical properties (such as structural, functional, and spatial information, amino acid conservation, physicochemical variation, residue mobility, and thermodynamic stability) indicates that this missense variant is not expected to disrupt RELN protein function with a negative predictive value of 80%. In summary, the available evidence is currently insufficient to determine the role of this variant in disease. Therefore, it has been classified as a Variant of Uncertain Significance.

CeGaT Center for Human Genetics Tuebingen
Classification: Uncertain significance. Last evaluated: 2021-07-01. Review status: criteria provided, single submitter. Criteria: CeGaT Center For Human Genetics Tuebingen Variant Classification Criteria Version 2. Collection method: clinical testing. Allele origin: germline. Affected: yes. Observed: 1 variant allele.

NM_005045.4(RELN):c.874G>C (p.Ala292Pro)

Gene: RELN (reelin; minus strand). Cytogenetic location: 7q22.1.
Variant type: single nucleotide variant.
Coding change: c.874G>C on transcript NM_005045.4 (MANE Select); coding-DNA position 874, G replaced by C.
Protein change: p.Ala292Pro; replaces alanine 292 with proline.
Molecular consequence: missense variant.
Genome position (GRCh38, 1-based): chr7:103,700,938, C>G on the plus strand (G>C on the coding strand, the complement: RELN is on the minus strand). VCF-style: chr7-103700938-C-G. GRCh37 (hg19) VCF-style: chr7-103341385-C-G.
Other names: c.874G>C, p.Ala292Pro (NM_173054.3); short protein forms A292P.
Identifiers: ClinVar variation 1015987 (VCV001015987.42), dbSNP rs1478514178, ClinGen allele CA368927998.